The following is an entry in ClinVar:

ClinVar aggregate classification (germline): Uncertain significance. Review status: criteria provided, multiple submitters, no conflicts (2 of 4 stars). 2 submissions from 2 submitters: Uncertain significance (2). Last evaluated 2025-08-06.

Conditions:
Inborn genetic diseases. Identifiers: MedGen C0950123, MeSH D030342.

gnomAD v4.1: 8 of 1,614,090 alleles (0.0005%); highest among the groups gnomAD compares: Admixed American, 0.012%; no homozygotes.

Submissions (2):

GeneDx
Classification: Uncertain significance. Last evaluated: 2025-08-06. Review status: criteria provided, single submitter. Criteria: GeneDx Variant Classification Process June 2021. Collection method: clinical testing. Allele origin: germline. Affected: yes.
Comment: Not observed at significant frequency in large population cohorts (gnomAD); In silico analysis suggests that this missense variant does not alter protein structure/function; Has not been previously published as pathogenic or benign to our knowledge; In silico analysis is inconclusive as to whether the variant alters gene splicing. In the absence of RNA/functional studies, the actual effect of this sequence change is unknown.

Ambry Genetics
Classification: Uncertain significance for Inborn genetic diseases. Last evaluated: 2025-03-21. Review status: criteria provided, single submitter. Criteria: Ambry Variant Classification Scheme 2023. Collection method: clinical testing. Allele origin: germline.

NM_144672.4(OTOA):c.1445T>C (p.Val482Ala)

Gene: OTOA (otoancorin). Cytogenetic location: 16p12.2.
Variant type: single nucleotide variant.
Coding change: c.1445T>C on transcript NM_144672.4 (MANE Select); coding-DNA position 1445, T replaced by C.
Protein change: p.Val482Ala; replaces valine 482 with alanine.
Molecular consequence: missense variant.
Genome position (GRCh38, 1-based): chr16:21,715,109, T>C. VCF-style: chr16-21715109-T-C. GRCh37 (hg19) VCF-style: chr16-21726430-T-C.
Other names: c.1208T>C, p.Val403Ala (NM_001161683.2); c.473T>C, p.Val158Ala (NM_170664.3); short protein forms V482A, V403A, V158A.
Identifiers: ClinVar variation 3926688 (VCV003926688.2).